The following is an entry in ClinVar:

NM_001323289.2(CDKL5):c.1744dup (p.Ser582fs)

Gene: CDKL5 (cyclin dependent kinase like 5; plus strand). Cytogenetic location: Xp22.13.
Variant type: Duplication.
Coding change: c.1744dup on transcript NM_001323289.2 (MANE Select); coding-DNA position 1744, one base duplicated (T; older notation c.1744dupT).
Protein change: p.Ser582fs; shifts the reading frame from serine 582.
Molecular consequence: frameshift variant.
Genome position (GRCh38, 1-based): chrX:18,604,668, T duplicated; the last of 2 consecutive T bases (chrX:18,604,667-18,604,668); duplicating either gives the same sequence. VCF-style (leftmost placement, unchanged base first): chrX-18604666-A-AT. GRCh37 (hg19) VCF-style: chrX-18622786-A-AT.
Other names: c.1744dup, p.Ser582fs (NM_001037343.2, NM_003159.3); short protein forms S582fs.
Identifiers: ClinVar variation 1879752 (VCV001879752.29), dbSNP rs2518875266, ClinGen allele CA2580100473.

ClinVar aggregate classification (germline): Pathogenic (1 of 4 stars; one submission).

Submission:

CeGaT Center for Human Genetics Tuebingen
Classification: Pathogenic. Last evaluated: 2022-10-01. Review status: criteria provided, single submitter. Criteria: CeGaT Center For Human Genetics Tuebingen Variant Classification Criteria Version 2. Collection method: clinical testing. Allele origin: germline. Affected: yes. Observed: 1 variant allele.
Comment: CDKL5: PVS1, PM2, PP4